The following is an entry in ClinVar:

NM_001197104.2(KMT2A):c.2490dup (p.Ser831Ter)

Gene: KMT2A (lysine methyltransferase 2A; plus strand). Cytogenetic location: 11q23.3.
Variant type: Duplication.
Coding change: c.2490dup on transcript NM_001197104.2 (MANE Select); coding-DNA position 2490, one base duplicated (T; older notation c.2490dupT).
Protein change: p.Ser831Ter; replaces serine 831 with a stop codon.
Molecular consequence: nonsense. On other transcripts: frameshift variant (1).
Genome position (GRCh38, 1-based): chr11:118,473,649, T duplicated. VCF-style (leftmost placement, unchanged base first): chr11-118473648-G-GT. GRCh37 (hg19) VCF-style: chr11-118344363-G-GT.
Other names: c.2589dup, p.Ser864Terfs (NM_001412597.1); c.2490dup, p.Ser831Ter (NM_005933.4); short protein forms S831*.
Identifiers: ClinVar variation 2022520 (VCV002022520.4), dbSNP rs2496811453, ClinGen allele CA2580083598.

ClinVar aggregate classification (germline): Pathogenic (1 of 4 stars; one submission).

Submission:

Labcorp Genetics (formerly Invitae), Labcorp
Classification: Pathogenic. Last evaluated: 2023-11-01. Review status: criteria provided, single submitter. Criteria: Invitae Variant Classification Sherloc (09022015). Collection method: clinical testing. Allele origin: germline.
Comment: This sequence change creates a premature translational stop signal (p.Ser831*) in the KMT2A gene. It is expected to result in an absent or disrupted protein product. Loss-of-function variants in KMT2A are known to be pathogenic (PMID: 22795537, 25810209, 29574747). This variant is not present in population databases (gnomAD no frequency). This variant has not been reported in the literature in individuals affected with KMT2A-related conditions. ClinVar contains an entry for this variant (Variation ID: 2022520). For these reasons, this variant has been classified as Pathogenic.

Literature cited by the submitters: PubMed 22795537; PubMed 25810209; PubMed 29574747.